The following is an entry in ClinVar:

ClinVar aggregate classification (germline): Pathogenic. Review status: criteria provided, multiple submitters, no conflicts (2 of 4 stars). 2 submissions from 2 submitters: Pathogenic (2). Last evaluated 2023-03-03.

Conditions:
Neurofibromatosis, type 1 (NF1). Also called: Neurofibromatosis, type I; VON RECKLINGHAUSEN DISEASE; Peripheral type neurofibromatosis; NEUROFIBROMATOSIS, TYPE I, SOMATIC. Identifiers: Orphanet 636, MedGen C0027831, MONDO:0018975, OMIM 162200. Disease mechanism: loss of function.
Hereditary cancer-predisposing syndrome. Also called: Tumor predisposition; Hereditary Cancer Syndrome; Neoplastic Syndromes, Hereditary; Hereditary neoplastic syndrome. Identifiers: Orphanet 140162, MedGen C0027672, MeSH D009386, MONDO:0015356.
Cardiovascular phenotype. Identifiers: MedGen CN230736.

Submissions (2):

Labcorp Genetics (formerly Invitae), Labcorp
Classification: Pathogenic for Neurofibromatosis, type 1. Last evaluated: 2023-03-03. Review status: criteria provided, single submitter. Criteria: Invitae Variant Classification Sherloc (09022015). Collection method: clinical testing. Allele origin: germline.
Comment: For these reasons, this variant has been classified as Pathogenic. ClinVar contains an entry for this variant (Variation ID: 862987). This variant has not been reported in the literature in individuals affected with NF1-related conditions. This variant is not present in population databases (gnomAD no frequency). This sequence change creates a premature translational stop signal (p.Leu937*) in the NF1 gene. It is expected to result in an absent or disrupted protein product. Loss-of-function variants in NF1 are known to be pathogenic (PMID: 10712197, 23913538).

Ambry Genetics
Classification: Pathogenic for Cardiovascular phenotype; Hereditary cancer-predisposing syndrome. Last evaluated: 2021-09-02. Review status: criteria provided, single submitter. Criteria: Ambry Variant Classification Scheme 2023. Collection method: clinical testing. Allele origin: germline.
Comment: The c.2810delT pathogenic mutation, located in coding exon 21 of the NF1 gene, results from a deletion of one nucleotide at nucleotide position 2810, causing a translational frameshift with a predicted alternate stop codon (p.L937*). This alteration has been observed in at least one individual with a personal and/or family history that is consistent with Neurofibromatosis type 1-related disease (Ambry internal data). This variant is considered to be rare based on population cohorts in the Genome Aggregation Database (gnomAD). This alteration is expected to result in loss of function by premature protein truncation or nonsense-mediated mRNA decay. As such, this alteration is interpreted as a disease-causing mutation.

Literature cited by the submitters: PubMed 10712197 (cited by Labcorp Genetics (formerly Invitae), Labcorp); PubMed 23913538 (cited by Labcorp Genetics (formerly Invitae), Labcorp).

NM_001042492.3(NF1):c.2810del (p.Lys936_Leu937insTer)

Gene: NF1 (neurofibromin 1; plus strand). Cytogenetic location: 17q11.2.
Variant type: Deletion.
Coding change: c.2810del on transcript NM_001042492.3 (MANE Select); coding-DNA position 2810, one base deleted (T; older notation c.2810delT).
Protein change: p.Lys936_Leu937insTer.
Molecular consequence: nonsense. On other transcripts: frameshift variant (1).
Genome position (GRCh38, 1-based): chr17:31,229,425, T deleted; the last of 2 consecutive T bases (chr17:31,229,424-31,229,425); deleting either gives the same sequence. VCF-style (leftmost placement, unchanged base first): chr17-31229423-AT-A. GRCh37 (hg19) VCF-style: chr17-29556441-AT-A.
Other names: c.2810delT (NM_000267.3); c.2810delT, p.Leu937Terfs (NM_000267.4).
Identifiers: ClinVar variation 862987 (VCV000862987.9), dbSNP rs2067074098, ClinGen allele CA916080630.